The following is an entry in ClinVar:

ClinVar aggregate classification (germline): Uncertain significance (1 of 4 stars; one submission).

Conditions:
Progressive external ophthalmoplegia with mitochondrial DNA deletions, autosomal recessive 5. Also called: PROGRESSIVE EXTERNAL OPHTHALMOPLEGIA, AUTOSOMAL RECESSIVE 5. Identifiers: MedGen C4748184, MONDO:0020845, OMIM 618098.

Submission:

Human Genetics Bochum, Ruhr University Bochum
Classification: Uncertain significance for Progressive external ophthalmoplegia with mitochondrial DNA deletions, autosomal recessive 5. Last evaluated: 2024-11-25. Review status: criteria provided, single submitter. Criteria: ACMG Guidelines, 2015. Collection method: clinical testing. Allele origin: germline. Affected: yes.
Comment: in homozygous state; ACMG criteria used to clasify this variant: PM2_SUP, PP3

NM_004618.5(TOP3A):c.2055T>G (p.Cys685Trp)

Gene: TOP3A (DNA topoisomerase III alpha; minus strand). Cytogenetic location: 17p11.2.
Variant type: single nucleotide variant.
Coding change: c.2055T>G on transcript NM_004618.5 (MANE Select); coding-DNA position 2055, T replaced by G.
Protein change: p.Cys685Trp; replaces cysteine 685 with tryptophan.
Molecular consequence: missense variant.
Genome position (GRCh38, 1-based): chr17:18,280,625, A>C on the plus strand (T>G on the coding strand, the complement: TOP3A is on the minus strand). VCF-style: chr17-18280625-A-C. GRCh37 (hg19) VCF-style: chr17-18183939-A-C.
Other names: c.1770T>G, p.Cys590Trp (NM_001320759.2); short protein forms C590W, C685W.
Identifiers: ClinVar variation 4688010 (VCV004688010.1), dbSNP rs1432542467.
Genomic context (GRCh38, chr17:18,280,625, plus strand): 5'-ACACACACTGCTGTCCCTGCTGGCCTCCAGCACCGAGTCAGGAAGCCACACAGCTGAGCG[A>C]CACTCTGGGAAACCCATGCAGCTGAGGTAGAACCTGGGGACAAAGTGCCATGTCAGATGA-3'
Protein context (NP_004609.1, residues 675-695): FYLSCMGFPE[Cys685Trp]RSAVWLPDSV